The following is an entry in ClinVar:

ClinVar aggregate classification (germline): Uncertain significance (1 of 4 stars; one submission).

Allele frequency attached by ClinVar (database versions not stated): TOPMed below 0.00001; gnomAD 0.00001.
gnomAD v4.1: 8 of 1,614,006 alleles (0.0005%); highest among the groups gnomAD compares: East Asian, 0.0022%; no homozygotes.

Submission:

Labcorp Genetics (formerly Invitae), Labcorp
Classification: Uncertain significance. Last evaluated: 2022-06-04. Review status: criteria provided, single submitter. Criteria: Invitae Variant Classification Sherloc (09022015). Collection method: clinical testing. Allele origin: germline.
Comment: This sequence change replaces glycine, which is neutral and non-polar, with serine, which is neutral and polar, at codon 1000 of the FBN3 protein (p.Gly1000Ser). This variant is not present in population databases (gnomAD no frequency). In summary, the available evidence is currently insufficient to determine the role of this variant in disease. Therefore, it has been classified as a Variant of Uncertain Significance. Algorithms developed to predict the effect of sequence changes on RNA splicing suggest that this variant may create or strengthen a splice site. Algorithms developed to predict the effect of missense changes on protein structure and function are either unavailable or do not agree on the potential impact of this missense change (SIFT: "Not Available"; PolyPhen-2: "Probably Damaging"; Align-GVGD: "Not Available"). This variant has not been reported in the literature in individuals affected with FBN3-related conditions.

NM_032447.5(FBN3):c.2998G>A (p.Gly1000Ser)

Gene: FBN3 (fibrillin 3; minus strand). Cytogenetic location: 19p13.2.
Variant type: single nucleotide variant.
Coding change: c.2998G>A on transcript NM_032447.5 (MANE Select); coding-DNA position 2998, G replaced by A.
Protein change: p.Gly1000Ser; replaces glycine 1000 with serine.
Molecular consequence: missense variant.
Genome position (GRCh38, 1-based): chr19:8,123,548, C>T on the plus strand (G>A on the coding strand, the complement: FBN3 is on the minus strand). VCF-style: chr19-8123548-C-T. GRCh37 (hg19) VCF-style: chr19-8188432-C-T.
Other names: c.2998G>A, p.Gly1000Ser (NM_001321431.2); short protein forms G1000S.
Identifiers: ClinVar variation 2074097 (VCV002074097.4), dbSNP rs1358291657, ClinGen allele CA403692407.